The following is an entry in ClinVar:

ClinVar aggregate classification (germline): Uncertain significance (1 of 4 stars; one submission).

gnomAD v4.1: 14 of 1,613,064 alleles (0.00087%); highest among the groups gnomAD compares: Non-Finnish European, 0.0012%; no homozygotes.

Submission:

Labcorp Genetics (formerly Invitae), Labcorp
Classification: Uncertain significance. Last evaluated: 2024-09-01. Review status: criteria provided, single submitter. Criteria: Invitae Variant Classification Sherloc (09022015). Collection method: clinical testing. Allele origin: germline.
Comment: This sequence change replaces serine, which is neutral and polar, with phenylalanine, which is neutral and non-polar, at codon 279 of the SKIV2L protein (p.Ser279Phe). This variant is present in population databases (no rsID available, gnomAD 0.002%). This variant has not been reported in the literature in individuals affected with SKIV2L-related conditions. An algorithm developed to predict the effect of missense changes on protein structure and function (PolyPhen-2) suggests that this variant is likely to be tolerated. In summary, the available evidence is currently insufficient to determine the role of this variant in disease. Therefore, it has been classified as a Variant of Uncertain Significance.

NM_006929.5(SKIC2):c.836C>T (p.Ser279Phe)

Gene: SKIC2 (SKI2 subunit of superkiller complex; plus strand). Cytogenetic location: 6p21.33.
Variant type: single nucleotide variant.
Coding change: c.836C>T on transcript NM_006929.5 (MANE Select); coding-DNA position 836, C replaced by T.
Protein change: p.Ser279Phe; replaces serine 279 with phenylalanine.
Molecular consequence: missense variant.
Genome position (GRCh38, 1-based): chr6:31,961,593, C>T. VCF-style: chr6-31961593-C-T. GRCh37 (hg19) VCF-style: chr6-31929370-C-T.
Other names: short protein forms S279F.
Identifiers: ClinVar variation 3669532 (VCV003669532.2).